The following is an entry in ClinVar:

NM_001194998.2(CEP152):c.3154G>A (p.Val1052Ile)

Gene: CEP152 (centrosomal protein 152; minus strand). Cytogenetic location: 15q21.1.
Variant type: single nucleotide variant.
Coding change: c.3154G>A on transcript NM_001194998.2 (MANE Select); coding-DNA position 3154, G replaced by A.
Protein change: p.Val1052Ile; replaces valine 1052 with isoleucine.
Molecular consequence: missense variant.
Genome position (GRCh38, 1-based): chr15:48,756,094, C>T on the plus strand (G>A on the coding strand, the complement: CEP152 is on the minus strand). VCF-style: chr15-48756094-C-T. GRCh37 (hg19) VCF-style: chr15-49048291-C-T.
Other names: c.3154G>A, p.Val1052Ile (NM_014985.4); short protein forms V1052I.
Identifiers: ClinVar variation 1308941 (VCV001308941.4), dbSNP rs1460837430, ClinGen allele CA392342218.

ClinVar aggregate classification (germline): Uncertain significance. Review status: criteria provided, multiple submitters, no conflicts (2 of 4 stars). 2 submissions from 2 submitters: Uncertain significance (2). Last evaluated 2025-04-09.

Allele frequency attached by ClinVar (database versions not stated): gnomAD exomes below 0.00001 and 0.00001.
gnomAD v4.1: 5 of 1,614,080 alleles (0.00031%); highest among the groups gnomAD compares: East Asian, 0.0022%; no homozygotes.

Submissions (2):

GeneDx
Classification: Uncertain significance. Last evaluated: 2025-04-09. Review status: criteria provided, single submitter. Criteria: GeneDx Variant Classification Process June 2021. Collection method: clinical testing. Allele origin: germline. Affected: yes.
Comment: Reported previously in the heterozygous state in a patient with hyperphosphatemic tumoral calcinosis and vascular aneurysms who had multiple other variants identified, including the presumed causative variant in the FGF23 gene (PMID: 38792634); In silico analysis indicates that this missense variant does not alter protein structure/function; Not observed at significant frequency in large population cohorts (gnomAD); This variant is associated with the following publications: (PMID: 38792634)

Labcorp Genetics (formerly Invitae), Labcorp
Classification: Uncertain significance. Last evaluated: 2022-08-23. Review status: criteria provided, single submitter. Criteria: Invitae Variant Classification Sherloc (09022015). Collection method: clinical testing. Allele origin: germline.
Comment: This sequence change replaces valine, which is neutral and non-polar, with isoleucine, which is neutral and non-polar, at codon 1052 of the CEP152 protein (p.Val1052Ile). This variant is present in population databases (no rsID available, gnomAD 0.002%). This variant has not been reported in the literature in individuals affected with CEP152-related conditions. ClinVar contains an entry for this variant (Variation ID: 1308941). Algorithms developed to predict the effect of missense changes on protein structure and function (SIFT, PolyPhen-2, Align-GVGD) all suggest that this variant is likely to be tolerated. In summary, the available evidence is currently insufficient to determine the role of this variant in disease. Therefore, it has been classified as a Variant of Uncertain Significance.